The following is an entry in ClinVar:

ClinVar aggregate classification (germline): Likely benign. Review status: criteria provided, multiple submitters, no conflicts (2 of 4 stars). 2 submissions from 2 submitters: Likely benign (2). Last evaluated 2026-02-01.

gnomAD v4.1: 8 of 1,614,160 alleles (0.0005%); highest among the groups gnomAD compares: Admixed American, 0.012%; no homozygotes.

Submissions (2):

CeGaT Center for Human Genetics Tuebingen
Classification: Likely benign. Last evaluated: 2026-02-01. Review status: criteria provided, single submitter. Criteria: CeGaT Center For Human Genetics Tuebingen Variant Classification Criteria Version 2. Collection method: clinical testing. Allele origin: germline. Affected: yes. Observed: 1 variant allele.
Comment: SRCAP: BP4, BP7

Labcorp Genetics (formerly Invitae), Labcorp
Classification: Likely benign. Last evaluated: 2022-09-06. Review status: criteria provided, single submitter. Criteria: Invitae Variant Classification Sherloc (09022015). Collection method: clinical testing. Allele origin: germline.

NM_006662.3(SRCAP):c.546G>C (p.Arg182=)

Gene: SRCAP (Snf2 related CREBBP activator protein; plus strand). Cytogenetic location: 16p11.2.
Variant type: single nucleotide variant.
Coding change: c.546G>C on transcript NM_006662.3 (MANE Select); coding-DNA position 546, G replaced by C.
Protein change: p.Arg182=; no amino-acid change (arginine 182 retained).
Molecular consequence: synonymous variant.
Genome position (GRCh38, 1-based): chr16:30,707,625, G>C. VCF-style: chr16-30707625-G-C. GRCh37 (hg19) VCF-style: chr16-30718946-G-C.
Identifiers: ClinVar variation 1982513 (VCV001982513.8), dbSNP rs756793325, ClinGen allele CA494664520.